The following is an entry in ClinVar:

NM_002485.5(NBN):c.875C>G (p.Ser292Ter)

Gene: NBN (nibrin; minus strand). Cytogenetic location: 8q21.3.
Variant type: single nucleotide variant.
Coding change: c.875C>G on transcript NM_002485.5 (MANE Select); coding-DNA position 875, C replaced by G.
Protein change: p.Ser292Ter; replaces serine 292 with a stop codon.
Molecular consequence: nonsense.
Genome position (GRCh38, 1-based): chr8:89,970,385, G>C on the plus strand (C>G on the coding strand, the complement: NBN is on the minus strand). VCF-style: chr8-89970385-G-C. GRCh37 (hg19) VCF-style: chr8-90982613-G-C.
Other names: c.629C>G, p.Ser210Ter (NM_001024688.3); short protein forms S210*, S292*.
Identifiers: ClinVar variation 2833877 (VCV002833877.4), dbSNP rs1811450946, ClinGen allele CA371658264.

ClinVar aggregate classification (germline): Pathogenic. Review status: criteria provided, multiple submitters, no conflicts (2 of 4 stars). 2 submissions from 2 submitters: Pathogenic (2). Last evaluated 2025-04-10.

Conditions:
Microcephaly, normal intelligence and immunodeficiency (NBS). Also called: IMMUNODEFICIENCY, MICROCEPHALY, AND CHROMOSOMAL INSTABILITY; SEEMANOVA SYNDROME II; Nijmegen breakage syndrome; Microcephaly with normal intelligence immunodeficiency and lymphoreticular malignancies; Nonsyndromal microcephaly autosomal recessive with normal intelligence; Seemanova syndrome 2. Identifiers: Orphanet 647, MedGen C0398791, MONDO:0009623, OMIM 251260.

Submissions (2):

Myriad Genetics, Inc.
Classification: Pathogenic for Microcephaly, normal intelligence and immunodeficiency. Last evaluated: 2025-04-10. Review status: criteria provided, single submitter. Criteria: Myriad Autosomal Dominant, Autosomal Recessive and X-Linked Classification Criteria (2023). Collection method: clinical testing. Allele origin: unknown.
Comment: NM_002485.4(NBN):c.875C>G(S292*) is expected to be pathogenic in the context of Nijmegen breakage syndrome. This variant is predicted to lead to an abnormal or absent protein product due to the creation of a premature termination codon in NBN, a gene where loss-of-function variants are known to be pathogenic. Please note: this variant was assessed in the context of healthy population screening.

Labcorp Genetics (formerly Invitae), Labcorp
Classification: Pathogenic for Microcephaly, normal intelligence and immunodeficiency. Last evaluated: 2023-02-06. Review status: criteria provided, single submitter. Criteria: Invitae Variant Classification Sherloc (09022015). Collection method: clinical testing. Allele origin: germline.
Comment: This sequence change creates a premature translational stop signal (p.Ser292*) in the NBN gene. It is expected to result in an absent or disrupted protein product. Loss-of-function variants in NBN are known to be pathogenic (PMID: 9590180, 16415040). This variant is not present in population databases (gnomAD no frequency). This variant has not been reported in the literature in individuals affected with NBN-related conditions. For these reasons, this variant has been classified as Pathogenic.

Literature cited by the submitters: PubMed 9590180 (cited by Labcorp Genetics (formerly Invitae), Labcorp); PubMed 16415040 (cited by Labcorp Genetics (formerly Invitae), Labcorp).